The following is an entry in ClinVar:

NM_001846.4(COL4A2):c.4557C>A (p.Tyr1519Ter)

Genes: COL4A2 (collagen type IV alpha 2 chain; plus strand), COL4A2-AS1 (COL4A2 antisense RNA 1; minus strand). Cytogenetic location: 13q34.
Variant type: single nucleotide variant.
Coding change: c.4557C>A on transcript NM_001846.4 (MANE Select); coding-DNA position 4557, C replaced by A.
Protein change: p.Tyr1519Ter; replaces tyrosine 1519 with a stop codon.
Molecular consequence: nonsense.
Genome position (GRCh38, 1-based): chr13:110,506,569, C>A. VCF-style: chr13-110506569-C-A. GRCh37 (hg19) VCF-style: chr13-111158916-C-A.
Other names: short protein forms Y1519*.
Identifiers: ClinVar variation 1677010 (VCV001677010.1), dbSNP rs2139558301, ClinGen allele CA388740614.
Genomic context (GRCh38, chr13:110,506,569, plus strand): 5'-CCAGGAGCCCATGTGCCCAGTGGGCATGAACAAACTCTGGAGTGGATACAGCCTGCTGTA[C>A]TTCGAGGGCCAGGAGAAGGCGCACAACCAGGACCTGGGTAGGTACCTCCCACCCGGCCCC-3'

ClinVar aggregate classification (germline): Likely pathogenic (1 of 4 stars; one submission).

Conditions:
Brain small vessel disease 2A, autosomal dominant. Also called: Porencephaly 2. Identifiers: Orphanet 2940, Orphanet 99810, MedGen C3280970, MONDO:0013773, OMIM 614483.

Submission:

Women's Health and Genetics/Laboratory Corporation of America, LabCorp
Classification: Likely pathogenic for Brain small vessel disease 2A, autosomal dominant. Last evaluated: 2022-03-04. Review status: criteria provided, single submitter. Criteria: LabCorp Variant Classification Summary - May 2015. Collection method: clinical testing. Allele origin: germline.
Comment: Variant summary: COL4A2 c.4557C>A (p.Tyr1519X) results in a premature termination codon, predicted to cause a truncation of the encoded protein or absence of the protein due to nonsense mediated decay, which are commonly known mechanisms for disease. The variant was absent in 245872 control chromosomes (gnomAD). To our knowledge, no occurrence of c.4557C>A in individuals affected with Porencephaly 2 and no experimental evidence demonstrating its impact on protein function have been reported. No clinical diagnostic laboratories have submitted clinical-significance assessments for this variant to ClinVar after 2014. Based on the evidence outlined above, the variant was classified as likely pathogenic.